The following is an entry in ClinVar:

ClinVar aggregate classification (germline): Pathogenic (1 of 4 stars; one submission).

Conditions:
Congenital dyserythropoietic anemia, type II (CDAN2). Also called: DYSERYTHROPOIETIC ANEMIA, HEMPAS TYPE. Identifiers: Orphanet 98873, MedGen C1306589, MONDO:0009134, OMIM 224100.
Cowden syndrome 7 (CWS7). Identifiers: Orphanet 201, MedGen C4225179, MONDO:0014802, OMIM 616858.

Submission:

Labcorp Genetics (formerly Invitae), Labcorp
Classification: Pathogenic for Congenital dyserythropoietic anemia, type II; Cowden syndrome 7. Last evaluated: 2025-01-23. Review status: criteria provided, single submitter. Criteria: Invitae Variant Classification Sherloc (09022015). Collection method: clinical testing. Allele origin: germline.
Comment: This sequence change affects a donor splice site in intron 6 of the SEC23B gene. It is expected to disrupt RNA splicing. Variants that disrupt the donor or acceptor splice site typically lead to a loss of protein function (PMID: 16199547), and loss-of-function variants in SEC23B are known to be pathogenic (PMID: 19561605, 25044164). This variant is not present in population databases (gnomAD no frequency). Disruption of this splice site has been observed in individual(s) with congenital dyserythropoietic anemia type II (PMID: 19561605, 19621418). In at least one individual the data is consistent with being in trans (on the opposite chromosome) from a pathogenic variant. ClinVar contains an entry for this variant (Variation ID: 2939603). Algorithms developed to predict the effect of sequence changes on RNA splicing suggest that this variant may disrupt the consensus splice site. For these reasons, this variant has been classified as Pathogenic.

Literature cited by the submitters: PubMed 16199547; PubMed 19561605; PubMed 25044164; PubMed 19621418.

NM_006363.6(SEC23B):c.689+1G>T

Genes: SEC23B (SEC23 homolog B, COPII component; plus strand), LOC126862987 (MED14-independent group 3 enhancer GRCh37_chr20:18504796-18505995; plus strand). Cytogenetic location: 20p11.23.
Variant type: single nucleotide variant.
Coding change: c.689+1G>T on transcript NM_006363.6 (MANE Select); the canonical splice donor site of the intron after coding-DNA position 689, G replaced by T.
Molecular consequence: splice donor variant.
Genome position (GRCh38, 1-based): chr20:18,525,021, G>T. VCF-style: chr20-18525021-G-T. GRCh37 (hg19) VCF-style: chr20-18505665-G-T.
Other names: c.689+1G>T (NM_032986.5, NM_001172745.3, NM_032985.6); c.635+1G>T (NM_001172746.3).
Identifiers: ClinVar variation 2939603 (VCV002939603.3), dbSNP rs398124226, ClinGen allele CA408358997.
Genomic context (GRCh38, chr20:18,525,021, plus strand): 5'-CATGCCCATGCAGCAAGCACGACCTGCACAACCACAGGAGCACCCTTTTGCTTCAAGCAG[G>T]TGAGAGCCCAACATGGAGTGTTACACGTATTGTGATGGACATGCAGATGATCCATGGGAG-3'